The following is an entry in ClinVar:

ClinVar aggregate classification (germline): Pathogenic (1 of 4 stars; one submission).

Conditions:
Primary ciliary dyskinesia. Also called: Ciliary dyskinesia. Identifiers: Orphanet 244, MedGen C0008780, MONDO:0016575, HP:0012265.

Submission:

Labcorp Genetics (formerly Invitae), Labcorp
Classification: Pathogenic for Primary ciliary dyskinesia. Last evaluated: 2025-01-15. Review status: criteria provided, single submitter. Criteria: Invitae Variant Classification Sherloc (09022015). Collection method: clinical testing. Allele origin: germline.
Comment: This sequence change affects a donor splice site in intron 70 of the DNAH11 gene. It is expected to disrupt RNA splicing. Variants that disrupt the donor or acceptor splice site typically lead to a loss of protein function (PMID: 16199547), and loss-of-function variants in DNAH11 are known to be pathogenic (PMID: 18022865, 20513915, 22184204). This variant is not present in population databases (gnomAD no frequency). Disruption of this splice site has been observed in individual(s) with clinical features of primary ciliary dyskinesia (internal data). Algorithms developed to predict the effect of sequence changes on RNA splicing suggest that this variant may disrupt the consensus splice site. For these reasons, this variant has been classified as Pathogenic.

Literature cited by the submitters: PubMed 16199547; PubMed 18022865; PubMed 20513915; PubMed 22184204.

NM_001277115.2(DNAH11):c.11496+1G>C

Gene: DNAH11 (dynein axonemal heavy chain 11; plus strand). Cytogenetic location: 7p15.3.
Variant type: single nucleotide variant.
Coding change: c.11496+1G>C on transcript NM_001277115.2 (MANE Select); the canonical splice donor site of the intron after coding-DNA position 11496, G replaced by C.
Molecular consequence: splice donor variant.
Genome position (GRCh38, 1-based): chr7:21,864,658, G>C. VCF-style: chr7-21864658-G-C. GRCh37 (hg19) VCF-style: chr7-21904276-G-C.
Identifiers: ClinVar variation 3659409 (VCV003659409.2).
Genomic context (GRCh38, chr7:21,864,658, plus strand): 5'-GAACACACTCATCTGAGTCCCGTTGACTTCCTAACTTCTCAGTCATGGAGTGCTATCAAG[G>C]TATGTTAGGAATACAGTTTCTCAAATTCTGGATCTTATTTAAAATATTAGCTCTCTCCAG-3'